The following is an entry in ClinVar:

NM_144573.4(NEXN):c.403G>A (p.Glu135Lys)

Genes: NEXN (nexilin F-actin binding protein; plus strand), LOC126805765 (BRD4-independent group 4 enhancer GRCh37_chr1:78383688-78384887; plus strand). Cytogenetic location: 1p31.1.
Variant type: single nucleotide variant.
Coding change: c.403G>A on transcript NM_144573.4 (MANE Select); coding-DNA position 403, G replaced by A.
Protein change: p.Glu135Lys; replaces glutamic acid 135 with lysine.
Molecular consequence: missense variant.
Genome position (GRCh38, 1-based): chr1:77,918,229, G>A. VCF-style: chr1-77918229-G-A. GRCh37 (hg19) VCF-style: chr1-78383914-G-A.
Other names: c.211G>A, p.Glu71Lys (NM_001172309.2); short protein forms E71K, E135K.
Identifiers: ClinVar variation 1737272 (VCV001737272.2), dbSNP rs1182794701, ClinGen allele CA340887033.

ClinVar aggregate classification (germline): Uncertain significance (1 of 4 stars; one submission).

Conditions:
Cardiovascular phenotype. Identifiers: MedGen CN230736.

Allele frequency attached by ClinVar (database versions not stated): TOPMed below 0.00001.

Submission:

Ambry Genetics
Classification: Uncertain significance for Cardiovascular phenotype. Last evaluated: 2022-02-17. Review status: criteria provided, single submitter. Criteria: Ambry Variant Classification Scheme 2023. Collection method: clinical testing. Allele origin: germline.
Comment: The p.E135K variant (also known as c.403G>A), located in coding exon 4 of the NEXN gene, results from a G to A substitution at nucleotide position 403. The glutamic acid at codon 135 is replaced by lysine, an amino acid with similar properties. This amino acid position is conserved. In addition, the in silico prediction for this alteration is inconclusive. Since supporting evidence is limited at this time, the clinical significance of this alteration remains unclear.